The following is an entry in ClinVar:

NM_025132.4(WDR19):c.3362A>G (p.Asn1121Ser)

Gene: WDR19 (WD repeat domain 19; plus strand). Cytogenetic location: 4p14.
Variant type: single nucleotide variant.
Coding change: c.3362A>G on transcript NM_025132.4 (MANE Select); coding-DNA position 3362, A replaced by G.
Protein change: p.Asn1121Ser; replaces asparagine 1121 with serine.
Molecular consequence: missense variant.
Genome position (GRCh38, 1-based): chr4:39,269,979, A>G. VCF-style: chr4-39269979-A-G. GRCh37 (hg19) VCF-style: chr4-39271599-A-G.
Other names: c.2882A>G, p.Asn961Ser (NM_001317924.2); short protein forms N1121S, N961S.
Identifiers: ClinVar variation 348750 (VCV000348750.14), dbSNP rs545916111, ClinGen allele CA2892355.

ClinVar aggregate classification (germline): Uncertain significance. Review status: criteria provided, multiple submitters, no conflicts (2 of 4 stars). 2 submissions from 2 submitters: Uncertain significance (2). Last evaluated 2024-11-18.

Conditions:
Senior-Loken syndrome 8 (SLSN8). Identifiers: Orphanet 3156, MedGen C4225376, MONDO:0014579, OMIM 616307.
Asphyxiating thoracic dystrophy 5 (SRTD5). Also called: SHORT-RIB THORACIC DYSPLASIA 5 WITH OR WITHOUT POLYDACTYLY; SHORT-RIB THORACIC DYSPLASIA 5 WITHOUT POLYDACTYLY. Identifiers: Orphanet 474, MedGen C3280598, MONDO:0013717, OMIM 614376.
Connective tissue disorder. Also called: Connective tissue disease. Identifiers: MedGen C0009782, MONDO:0003900.

Allele frequency attached by ClinVar (database versions not stated): gnomAD exomes 0.00002 and 0.00010; TOPMed 0.00003; ExAC 0.00004; gnomAD 0.00006 and 0.00007.
gnomAD v4.1: 53 of 1,613,162 alleles (0.0033%); highest among the groups gnomAD compares: South Asian, 0.034%; 1 homozygote.

Submissions (2):

Labcorp Genetics (formerly Invitae), Labcorp
Classification: Uncertain significance for Senior-Loken syndrome 8; Asphyxiating thoracic dystrophy 5. Last evaluated: 2024-11-18. Review status: criteria provided, single submitter. Criteria: Invitae Variant Classification Sherloc (09022015). Collection method: clinical testing. Allele origin: germline.
Comment: This sequence change replaces asparagine, which is neutral and polar, with serine, which is neutral and polar, at codon 1121 of the WDR19 protein (p.Asn1121Ser). This variant is present in population databases (rs545916111, gnomAD 0.07%). This variant has not been reported in the literature in individuals affected with WDR19-related conditions. ClinVar contains an entry for this variant (Variation ID: 348750). Invitae Evidence Modeling of protein sequence and biophysical properties (such as structural, functional, and spatial information, amino acid conservation, physicochemical variation, residue mobility, and thermodynamic stability) indicates that this missense variant is not expected to disrupt WDR19 protein function with a negative predictive value of 80%. Algorithms developed to predict the effect of sequence changes on RNA splicing suggest that this variant may create or strengthen a splice site. In summary, the available evidence is currently insufficient to determine the role of this variant in disease. Therefore, it has been classified as a Variant of Uncertain Significance.

Genome Diagnostics Laboratory, The Hospital for Sick Children
Classification: Uncertain significance for Connective tissue disorder. Last evaluated: 2021-11-25. Review status: criteria provided, single submitter. Criteria: ACMG Guidelines, 2015. Collection method: clinical testing. Allele origin: germline.